The following is an entry in ClinVar:

NM_025179.4(PLXNA2):c.2858A>G (p.Asn953Ser)

Gene: PLXNA2 (plexin A2; minus strand). Cytogenetic location: 1q32.2.
Variant type: single nucleotide variant.
Coding change: c.2858A>G on transcript NM_025179.4 (MANE Select); coding-DNA position 2858, A replaced by G.
Protein change: p.Asn953Ser; replaces asparagine 953 with serine.
Molecular consequence: missense variant.
Genome position (GRCh38, 1-based): chr1:208,052,462, T>C on the plus strand (A>G on the coding strand, the complement: PLXNA2 is on the minus strand). VCF-style: chr1-208052462-T-C. GRCh37 (hg19) VCF-style: chr1-208225807-T-C.
Other names: short protein forms N953S.
Identifiers: ClinVar variation 3345739 (VCV003345739.1).

ClinVar aggregate classification (germline): Uncertain significance (0 of 4 stars; one submission).

Conditions:
PLXNA2-related disorder. Also called: PLXNA2-related condition.

gnomAD v4.1: 1 of 1,613,800 alleles (0.000062%); highest among the groups gnomAD compares: Admixed American, 0.0017%; no homozygotes.

Submission:

PreventionGenetics, part of Exact Sciences
Classification: Uncertain significance for PLXNA2-related condition. Last evaluated: 2024-08-25. Review status: no assertion criteria provided. Collection method: clinical testing. Allele origin: germline.
Comment: The PLXNA2 c.2858A>G variant is predicted to result in the amino acid substitution p.Asn953Ser. To our knowledge, this variant has not been reported in the literature. This variant is reported in 0.0029% of alleles in individuals of Latino descent in gnomAD. At this time, the clinical significance of this variant is uncertain due to the absence of conclusive functional and genetic evidence.